The following is an entry in ClinVar:

NM_001267550.2(TTN):c.74041C>T (p.Gln24681Ter)

Genes: TTN-AS1 (TTN antisense RNA 1; plus strand), TTN (titin; minus strand). Cytogenetic location: 2q31.2.
Variant type: single nucleotide variant.
Coding change: c.74041C>T on transcript NM_001267550.2 (MANE Select); coding-DNA position 74041, C replaced by T.
Protein change: p.Gln24681Ter; replaces glutamine 24681 with a stop codon.
Molecular consequence: nonsense.
Genome position (GRCh38, 1-based): chr2:178,572,091, G>A on the plus strand (C>T on the coding strand, the complement: TTN is on the minus strand). VCF-style: chr2-178572091-G-A. GRCh37 (hg19) VCF-style: chr2-179436818-G-A.
Other names: c.69118C>T, p.Gln23040Ter (NM_001256850.1); c.46846C>T, p.Gln15616Ter (NM_003319.4); c.66337C>T, p.Gln22113Ter (NM_133378.4); c.47221C>T, p.Gln15741Ter (NM_133432.3); c.47422C>T, p.Gln15808Ter (NM_133437.4); short protein forms Q23040*, Q15808*, Q24681*, Q22113*, Q15616*, Q15741*.
Identifiers: ClinVar variation 649480 (VCV000649480.10), dbSNP rs1575756767, ClinGen allele CA349636031.

ClinVar aggregate classification (germline): Likely pathogenic. Review status: criteria provided, multiple submitters, no conflicts (2 of 4 stars). 2 submissions from 2 submitters: Likely pathogenic (2). Last evaluated 2018-11-07.

Conditions:
Dilated cardiomyopathy 1G (CMD1G). Identifiers: Orphanet 154, MedGen C1858763, MONDO:0011400, OMIM 604145.
Autosomal recessive limb-girdle muscular dystrophy type 2J (LGMDR10). Also called: Limb-girdle muscular dystrophy, type 2J; MUSCULAR DYSTROPHY, LIMB-GIRDLE, AUTOSOMAL RECESSIVE 10. Identifiers: Orphanet 140922, MedGen C1837342, MONDO:0012127, OMIM 608807.

Submissions (2):

Labcorp Genetics (formerly Invitae), Labcorp
Classification: Likely pathogenic for Dilated cardiomyopathy 1G; Autosomal recessive limb-girdle muscular dystrophy type 2J. Last evaluated: 2018-11-07. Review status: criteria provided, single submitter. Criteria: Invitae Variant Classification Sherloc (09022015). Collection method: clinical testing. Allele origin: germline.
Comment: In summary, the currently available evidence indicates that the variant is pathogenic, but additional data are needed to prove that conclusively. Therefore, this variant has been classified as Likely Pathogenic. This variant is located in the A band of TTN (PMID: 25589632). Truncating variants in this region are significantly overrepresented in patients affected with dilated cardiomyopathy (PMID: 25589632). Truncating variants in this region have also been reported in individuals affected with autosomal recessive centronuclear myopathy (PMID: 23975875). Experimental studies and prediction algorithms are not available for this variant, and the functional significance of the affected amino acid(s) is currently unknown. This variant has not been reported in the literature in individuals with TTN-related disease. This variant is not present in population databases (ExAC no frequency). This sequence change results in a premature translational stop signal in the TTN gene (p.Gln24681*). While this is not anticipated to result in nonsense mediated decay, it is expected to create a truncated TTN protein.

Clinical Genetics Service, Universitary Hospital 12 de Octubre
Classification: Likely pathogenic for Dilated cardiomyopathy 1G. Review status: criteria provided, single submitter. Criteria: ACMG Guidelines, 2015. Collection method: clinical testing. Allele origin: germline. Affected: yes.

Literature cited by the submitters: PubMed 25589632 (cited by Labcorp Genetics (formerly Invitae), Labcorp); PubMed 23975875 (cited by Labcorp Genetics (formerly Invitae), Labcorp).